The following is an entry in ClinVar:

NM_001148.6(ANK2):c.2598C>G (p.Asp866Glu)

Gene: ANK2 (ankyrin 2; plus strand). Cytogenetic location: 4q26.
Variant type: single nucleotide variant.
Coding change: c.2598C>G on transcript NM_001148.6 (MANE Select); coding-DNA position 2598, C replaced by G.
Protein change: p.Asp866Glu; replaces aspartic acid 866 with glutamic acid.
Molecular consequence: missense variant.
Genome position (GRCh38, 1-based): chr4:113,311,304, C>G. VCF-style: chr4-113311304-C-G. GRCh37 (hg19) VCF-style: chr4-114232460-C-G.
Other names: c.2535C>G, p.Asp845Glu (NM_001354243.2, NM_001354244.2, NM_001354252.2 and 10 more transcripts); c.2499C>G, p.Asp833Glu (NM_001354245.2, NM_001354268.2); c.2598C>G, p.Asp866Glu (NM_001354246.2, NM_001354258.2, NM_001354265.2 and 6 more transcripts); c.2511C>G, p.Asp837Glu (NM_001354249.2, NM_001354264.2, NM_001354266.2 and 10 more transcripts); c.2436C>G, p.Asp812Glu (NM_001354253.2, NM_001354257.2, NM_001354270.2 and 1 more transcripts); c.2412C>G, p.Asp804Glu (NM_001354260.2, NM_001354271.2, NM_001386151.1); c.2556C>G, p.Asp852Glu (NM_001354261.2, NM_001386147.1, NM_001386160.1); c.2388C>G, p.Asp796Glu (NM_001354269.3); and 9 more; short protein forms D845E, D866E, D771E, D812E, D852E, D796E, D800E, D833E.
Identifiers: ClinVar variation 238573 (VCV000238573.5), dbSNP rs878854258, ClinGen allele CA10582208.

ClinVar aggregate classification (germline): Uncertain significance (1 of 4 stars; one submission).

Conditions:
Long QT syndrome (LQTS). Identifiers: MedGen C0023976, MeSH D008133, MONDO:0002442. Disease mechanism: loss of function. Inheritance: Various modes of inheritance.

Submission:

Labcorp Genetics (formerly Invitae), Labcorp
Classification: Uncertain significance for Long QT syndrome. Last evaluated: 2016-03-27. Review status: criteria provided, single submitter. Criteria: Invitae Variant Classification Sherloc (09022015). Collection method: clinical testing. Allele origin: germline.
Comment: This variant is not present in population databases (ExAC no frequency) and has not been reported in the literature in individuals with a ANK2-related disease. Algorithms developed to predict the effect of missense changes on protein structure and function do not agree on the potential impact of this missense change (SIFT: "Tolerated"; PolyPhen-2: "Probably Damaging"; Align-GVGD: "Class C0"). In summary, this variant is a novel missense change with uncertain impact on protein function. It has been classified as a Variant of Uncertain Significance. This sequence change replaces aspartic acid with glutamic acid at codon 866 of the ANK2 protein (p.Asp866Glu). The aspartic acid residue is highly conserved and there is a small physicochemical difference between aspartic acid and glutamic acid.